The following is an entry in ClinVar:

ClinVar aggregate classification (germline): Likely pathogenic (0 of 4 stars; one submission).

Conditions:
HSD3B7-related disorder. Also called: HSD3B7-related condition.

Submission:

PreventionGenetics, part of Exact Sciences
Classification: Likely pathogenic for HSD3B7-related condition. Last evaluated: 2023-12-05. Review status: no assertion criteria provided. Collection method: clinical testing. Allele origin: germline.
Comment: The HSD3B7 c.788_810del23 variant is predicted to result in a frameshift and premature protein termination (p.Ser263Phefs*75). To our knowledge, this variant has not been reported in the literature. This variant is reported in 0.0058% of alleles in individuals of Latino descent in gnomAD. Frameshift variants in HSD3B7 are expected to be pathogenic. This variant is interpreted as likely pathogenic.

NM_025193.4(HSD3B7):c.788_810del (p.Ser263fs)

Gene: HSD3B7 (hydroxy-delta-5-steroid dehydrogenase, 3 beta- and steroid delta-isomerase 7; plus strand). Cytogenetic location: 16p11.2.
Variant type: Deletion.
Coding change: c.788_810del on transcript NM_025193.4 (MANE Select); coding-DNA positions 788 to 810, 23 bases deleted (CACCCTACAGGAGCTACGAGGAT).
Protein change: p.Ser263fs; shifts the reading frame from serine 263.
Molecular consequence: frameshift variant. On other transcripts: 3 prime UTR variant (2).
Genome position (GRCh38, 1-based): chr16:30,987,861-30,987,883, CACCCTACAGGAGCTACGAGGAT deleted; deleting any 23 consecutive bases within chr16:30,987,857-30,987,883 gives the same sequence; the c. name uses the placement nearest the transcript's 3' end. VCF-style (leftmost placement, unchanged base first): chr16-30987856-TGGATCACCCTACAGGAGCTACGA-T. GRCh37 (hg19) VCF-style: chr16-30999177-TGGATCACCCTACAGGAGCTACGA-T.
Other names: c.*34_*56del (NM_001142777.2, NM_001142778.2); short protein forms S263fs.
Identifiers: ClinVar variation 3045782 (VCV003045782.2), dbSNP rs775260292, ClinGen allele CA8018115.
Genomic context (GRCh38, chr16:30,987,856, plus strand): 5'-AGCCCGGGAGCTGGAGCAGCGGGCAACCCTGATGGGCGGCCAGGTATACTTCTGCTACGA[TGGATCACCCTACAGGAGCTACGA>T]GGATTTCAACATGGAGTTCCTGGGCCCCTGCGGACTGCGGCTGGTGGGCGCCCGCCCATT-3'